The following is an entry in ClinVar:

NM_138691.3(TMC1):c.1714G>A (p.Asp572Asn)

Gene: TMC1 (transmembrane channel like 1; plus strand). Cytogenetic location: 9q21.13.
Variant type: single nucleotide variant.
Coding change: c.1714G>A on transcript NM_138691.3 (MANE Select); coding-DNA position 1714, G replaced by A.
Protein change: p.Asp572Asn; replaces aspartic acid 572 with asparagine.
Molecular consequence: missense variant.
Genome position (GRCh38, 1-based): chr9:72,816,161, G>A. VCF-style: chr9-72816161-G-A. GRCh37 (hg19) VCF-style: chr9-75431077-G-A.
Other names: short protein forms D572N.
Identifiers: ClinVar variation 4102 (VCV000004102.20), dbSNP rs121908072, ClinGen allele CA253001.

ClinVar aggregate classification (germline): Pathogenic/Likely pathogenic. Review status: criteria provided, multiple submitters, no conflicts (2 of 4 stars). 8 submissions from 8 submitters: Pathogenic (5); Likely pathogenic (1). 2 of the submissions do not count toward it. Last evaluated 2026-07-06.

Conditions:
TMC1-related disorder. Also called: TMC1-related condition; TMC1-related disorders.
Rare genetic deafness. Identifiers: Orphanet 96210, MedGen C5680250.
Autosomal dominant nonsyndromic hearing loss 36. Identifiers: Orphanet 90635, MedGen C1847626, MONDO:0011708, OMIM 606705.

Submissions (8):

Institute of Medical Genetics and Applied Genomics, University Hospital Tübingen
Classification: Pathogenic for Autosomal dominant nonsyndromic hearing loss 36. Last evaluated: 2026-07-06. Review status: criteria provided, single submitter. Criteria: ACMG Guidelines, 2015. Collection method: clinical testing. Allele origin: germline. Inheritance: Autosomal dominant inheritance. Affected: yes.

GeneDx
Classification: Pathogenic. Last evaluated: 2023-11-14. Review status: criteria provided, single submitter. Criteria: GeneDx Variant Classification Process June 2021. Collection method: clinical testing. Allele origin: germline. Affected: yes.
Comment: Published functional studies demonstrate a damaging effect: severe disruption of LHFPL5 binding (PMID: 33168709); In silico analysis supports that this missense variant has a deleterious effect on protein structure/function; Not observed at significant frequency in large population cohorts (gnomAD); This variant is associated with the following publications: (PMID: 34758253, 17250663, 15354000, 25388789, 26226225, 26079994, 29654653, 31854501, 31541171, 11850618, 33168709, 34523024, 35939872, 33824189, 33229591, 32238869, 31548403, WalujkarS2021[Preprint], 32899707, 33205915, 19180119, 27535533, 40121402, 34599366)

Blueprint Genetics
Classification: Pathogenic for TMC1-related disorders. Last evaluated: 2023-08-21. Review status: criteria provided, single submitter. Criteria: ACMG Guidelines, 2015. Collection method: clinical testing. Allele origin: de novo. Affected: yes. Observed: 5 variant alleles.

ARUP Laboratories, Molecular Genetics and Genomics, ARUP Laboratories
Classification: Pathogenic. Last evaluated: 2020-05-28. Review status: criteria provided, single submitter. Criteria: ARUP Molecular Germline Variant Investigation Process. Collection method: clinical testing. Allele origin: germline.
Comment: The TMC1 c.1714G>A; p.Asp572Asn variant (rs121908072) is reported in the literature segregating with disease in several families affected with autosomal dominant hearing loss (Hilgert 2009, Kurima 2002, Wang 2018, Wei 2014). This variant is reported in ClinVar (Variation ID: 4102), but is absent from general population databases (Exome Variant Server, Genome Aggregation Database), indicating it is not a common polymorphism. Additionally, another variant at this codon (c.1714G>C; p.Asp572His) has been reported in a large family affected with autosomal dominant hearing loss (Kitajiri 2007). Based on available information, this variant is considered to be pathogenic. References: Hilgert N et al. Amino acid 572 in TMC1: hot spot or critical functional residue for dominant mutations causing hearing impairment. J Hum Genet. 2009;54(3):188-190. Kitajiri S et al. A novel mutation at the DFNA36 hearing loss locus reveals a critical function and potential genotype-phenotype correlation for amino acid-572 of TMC1. Clin Genet. 2007;71(2):148-152. Kurima et al. Dominant and recessive deafness caused by mutations of a novel gene, TMC1, required for cochlear hair-cell function. Nat Genet. 2002 Mar;30(3):277-84. Wang et al. Identification of four TMC1 variations in different Chinese families with hereditary hearing loss. Mol Genet Genomic Med. 2018 Apr 14. Wei Q et al. Targeted genomic capture and massively parallel sequencing to identify novel variants causing Chinese hereditary hearing loss. J Transl Med. 2014;12:311. Published 2014 Nov 12.

Molecular Diagnostics Laboratory, M Health Fairview: University of Minnesota
Classification: Likely pathogenic for Autosomal dominant nonsyndromic hearing loss 36. Last evaluated: 2016-09-28. Review status: criteria provided, single submitter. Criteria: ACMG Guidelines, 2015. Collection method: clinical testing. Allele origin: germline. Affected: yes. Observed: 1 variant allele.

Laboratory for Molecular Medicine, Mass General Brigham Personalized Medicine
Classification: Pathogenic for Rare genetic deafness. Last evaluated: 2015-06-05. Review status: criteria provided, single submitter. Criteria: LMM Criteria. Collection method: clinical testing. Allele origin: germline. Inheritance: Autosomal dominant inheritance. Observed: 1 variant allele.
Comment: The p.Asp572Asn in TMC1 has been previously reported in 3 probands with nonsyndr omic bilateral sensorineural hearing loss, and segregated with disease in a domi nant pattern in >10 affected family members (Kurima 2002, Hilgert 2009, Makishim a 2004, Wei 2014). The hearing loss was reported to be progressive with a postli ngual onset. The variant was identified in one unaffected individual from one fa mily, indicating that the penetrance may not be complete; however the age of thi s individual was also not reported (Hilgert 2009). This variant was absent from large population databases. A variant affecting the same amino acid (p.Asp572His ) has also been reported in an individual with hearing loss and segregated in 7 affected family members including 2 obligate carriers (Kitajiri 2007), further s upporting that missense variants at this position are not tolerated. Unlike loss of function variants in TMC1, which cause recessive hearing loss, these studies indicate that the p.Asp572Asn and p.Asp572His missense variants cause dominant hearing loss. In summary, the p.Asp572Asn variant meets our criteria to be class ified as pathogenic for autosomal dominant sensorineural hearing loss (w.) based upon segregation studies in affec ted families and its absence in the general population.

OMIM
Classification: Pathogenic for DEAFNESS, AUTOSOMAL DOMINANT 36. Last evaluated: 2009-03-01. Review status: no assertion criteria provided. Collection method: literature only. Allele origin: germline. Not counted in ClinVar's aggregate classification.

Genomics England Pilot Project, Genomics England
Classification: Pathogenic for Autosomal dominant nonsyndromic hearing loss 36. Review status: no assertion criteria provided. Criteria: ACGS Guidelines, 2016. Collection method: clinical testing. Allele origin: germline. Affected: yes. Not counted in ClinVar's aggregate classification.

Literature cited by the submitters: PubMed 19180119 (cited by 3 submitters); PubMed 17250663 (cited by Molecular Diagnostics Laboratory, M Health Fairview: University of Minnesota and Laboratory for Molecular Medicine, Mass General Brigham Personalized Medicine); PubMed 11850618 (cited by 3 submitters); PubMed 25388789 (cited by Laboratory for Molecular Medicine, Mass General Brigham Personalized Medicine); PubMed 15354000 (cited by Laboratory for Molecular Medicine, Mass General Brigham Personalized Medicine); PubMed 33168709 (cited by OMIM).